The following is an entry in ClinVar:

NM_000100.4(CSTB):c.169G>A (p.Val57Met)

Gene: CSTB (cystatin B; minus strand). Cytogenetic location: 21q22.3.
Variant type: single nucleotide variant.
Coding change: c.169G>A on transcript NM_000100.4 (MANE Select); coding-DNA position 169, G replaced by A.
Protein change: p.Val57Met; replaces valine 57 with methionine.
Molecular consequence: missense variant.
Genome position (GRCh38, 1-based): chr21:43,774,330, C>T on the plus strand (G>A on the coding strand, the complement: CSTB is on the minus strand). VCF-style: chr21-43774330-C-T. GRCh37 (hg19) VCF-style: chr21-45194211-C-T.
Other names: p.V57M:GTG>ATG; short protein forms V57M.
Identifiers: ClinVar variation 205330 (VCV000205330.7), dbSNP rs796052394, ClinGen allele CA314301.

ClinVar aggregate classification (germline): Uncertain significance. Review status: criteria provided, multiple submitters, no conflicts (2 of 4 stars). 2 submissions from 2 submitters: Uncertain significance (2). Last evaluated 2022-08-15.

Conditions:
Progressive myoclonic epilepsy. Also called: Familial progressive myoclonic epilepsy; Myoclonus epilepsy; Progressive myoclonus epilepsy; Myoclonic Epilepsies, Progressive. Identifiers: Orphanet 308, Orphanet 98261, MedGen C0751778, MONDO:0020074.

Allele frequency attached by ClinVar (database versions not stated): TOPMed 0.00001.
gnomAD v4.1: 2 of 1,614,184 alleles (0.00012%); highest among the groups gnomAD compares: Admixed American, 0.0017%; no homozygotes.

Submissions (2):

Labcorp Genetics (formerly Invitae), Labcorp
Classification: Uncertain significance for Progressive myoclonic epilepsy. Last evaluated: 2022-08-15. Review status: criteria provided, single submitter. Criteria: Invitae Variant Classification Sherloc (09022015). Collection method: clinical testing. Allele origin: germline.
Comment: In summary, the available evidence is currently insufficient to determine the role of this variant in disease. Therefore, it has been classified as a Variant of Uncertain Significance. Algorithms developed to predict the effect of sequence changes on RNA splicing suggest that this variant may create or strengthen a splice site. Algorithms developed to predict the effect of missense changes on protein structure and function are either unavailable or do not agree on the potential impact of this missense change (SIFT: "Deleterious"; PolyPhen-2: "Possibly Damaging"; Align-GVGD: "Class C15"). ClinVar contains an entry for this variant (Variation ID: 205330). This variant has not been reported in the literature in individuals affected with CSTB-related conditions. This variant is present in population databases (rs796052394, gnomAD 0.003%). This sequence change replaces valine, which is neutral and non-polar, with methionine, which is neutral and non-polar, at codon 57 of the CSTB protein (p.Val57Met).

GeneDx
Classification: Uncertain significance. Last evaluated: 2014-09-23. Review status: criteria provided, single submitter. Criteria: GeneDx Variant Classification (06012015). Collection method: clinical testing. Allele origin: germline. Affected: yes.
Comment: p.Val57Met (GTG>ATG): c.169 G>A in exon 3 of the CSTB gene (NM_000100.2). The V57M variant has not been published as a mutation, nor has it been reported as a benign polymorphism to our knowledge. It was not observed in approximately 6,500 individuals of European and African American ancestry in the NHLBI Exome Sequencing Project, indicating it is not a common benign variant in these populations. The V57M variant is a conservative amino acid substitution, which is not likely to impact secondary protein structure as these residues share similar properties. However, this substitution occurs at a position that is conserved among mammals and in silico analysis predicts this variant is probably damaging to the protein structure/function. Therefore, based on the currently available information, it is unclear whether this variant is a pathogenic mutation or a rare benign variant. The variant is found in EPILEPSY panel(s).